The following is an entry in ClinVar:

ClinVar aggregate classification (germline): Likely benign (1 of 4 stars; one submission).

Allele frequency attached by ClinVar (database versions not stated): gnomAD 0.00033; TOPMed 0.00034; ExAC 0.00038; 1000 Genomes Project 30x 0.00203; 1000 Genomes Project 0.00240.
gnomAD v4.1: 437 of 1,551,342 alleles (0.028%); highest among the groups gnomAD compares: East Asian, 0.65%; 2 homozygotes.

Submission:

CeGaT Center for Human Genetics Tuebingen
Classification: Likely benign. Last evaluated: 2022-04-01. Review status: criteria provided, single submitter. Criteria: CeGaT Center For Human Genetics Tuebingen Variant Classification Criteria Version 2. Collection method: clinical testing. Allele origin: germline. Affected: yes. Observed: 1 variant allele.
Comment: EXOC7: BP4, BP7

NM_001013839.4(EXOC7):c.1404G>A (p.Thr468=)

Gene: EXOC7 (exocyst complex component 7; minus strand). Cytogenetic location: 17q25.1.
Variant type: single nucleotide variant.
Coding change: c.1404G>A on transcript NM_001013839.4 (MANE Select); coding-DNA position 1404, G replaced by A.
Protein change: p.Thr468=; no amino-acid change (threonine 468 retained).
Molecular consequence: synonymous variant.
Genome position (GRCh38, 1-based): chr17:76,087,679, C>T on the plus strand (G>A on the coding strand, the complement: EXOC7 is on the minus strand). VCF-style: chr17-76087679-C-T. GRCh37 (hg19) VCF-style: chr17-74083760-C-T.
Other names: c.1281G>A, p.Thr427= (NM_001145296.1, NM_001282313.2); c.1557G>A, p.Thr519= (NM_001145297.4); c.1380G>A, p.Thr460= (NM_001145298.4); c.1473G>A, p.Thr491= (NM_001145299.4, NM_001375976.1); c.1404G>A, p.Thr468= (NM_001375974.1); c.1311G>A, p.Thr437= (NM_001375975.1, NM_015219.5).
Identifiers: ClinVar variation 2648293 (VCV002648293.24), dbSNP rs188172356, ClinGen allele CA8781286.